The following is an entry in ClinVar:

ClinVar aggregate classification (germline): Uncertain significance (1 of 4 stars; one submission).

Conditions:
Fanconi anemia (FA). Also called: Fanconi's anemia. Identifiers: Orphanet 84, MedGen C0015625, MeSH D005199, MONDO:0019391.

Allele frequency attached by ClinVar (database versions not stated): ExAC 0.00001; gnomAD 0.00001; gnomAD exomes 0.00001.
gnomAD v4.1: 14 of 1,594,454 alleles (0.00088%); highest among the groups gnomAD compares: Non-Finnish European, 0.0011%; no homozygotes.

Submission:

Labcorp Genetics (formerly Invitae), Labcorp
Classification: Uncertain significance for Fanconi anemia. Last evaluated: 2022-03-13. Review status: criteria provided, single submitter. Criteria: Invitae Variant Classification Sherloc (09022015). Collection method: clinical testing. Allele origin: germline.
Comment: In summary, the available evidence is currently insufficient to determine the role of this variant in disease. Therefore, it has been classified as a Variant of Uncertain Significance. Variants that disrupt the consensus splice site are a relatively common cause of aberrant splicing (PMID: 17576681, 9536098). Algorithms developed to predict the effect of sequence changes on RNA splicing suggest that this variant is not likely to affect RNA splicing. This variant has not been reported in the literature in individuals affected with FANCI-related conditions. This variant is present in population databases (rs766430678, gnomAD 0.002%). This sequence change falls in intron 37 of the FANCI gene. It does not directly change the encoded amino acid sequence of the FANCI protein. It affects a nucleotide within the consensus splice site.

Literature cited by the submitters: PubMed 17576681; PubMed 9536098.

NM_001113378.2(FANCI):c.3924+3C>T

Gene: FANCI (FA complementation group I; plus strand). Cytogenetic location: 15q26.1.
Variant type: single nucleotide variant.
Coding change: c.3924+3C>T on transcript NM_001113378.2 (MANE Select); 3 bases into the intron after coding-DNA position 3924, C replaced by T.
Molecular consequence: intron variant.
Genome position (GRCh38, 1-based): chr15:89,315,392, C>T. VCF-style: chr15-89315392-C-T. GRCh37 (hg19) VCF-style: chr15-89858623-C-T.
Other names: c.3744+3C>T (NM_018193.3); c.3924+3C>T (NM_001376911.1); c.3645+3C>T (NM_001376910.1).
Identifiers: ClinVar variation 1387873 (VCV001387873.6), dbSNP rs766430678, ClinGen allele CA7723958.